The following is an entry in ClinVar:

ClinVar aggregate classification (germline): Uncertain significance (1 of 4 stars; one submission).

Conditions:
Fanconi anemia (FA). Also called: Fanconi's anemia. Identifiers: Orphanet 84, MedGen C0015625, MeSH D005199, MONDO:0019391.

gnomAD v4.1: 3 of 1,614,076 alleles (0.00019%); highest among the groups gnomAD compares: South Asian, 0.0011%; no homozygotes.

Submission:

Labcorp Genetics (formerly Invitae), Labcorp
Classification: Uncertain significance for Fanconi anemia. Last evaluated: 2025-07-22. Review status: criteria provided, single submitter. Criteria: Invitae Variant Classification Sherloc (09022015). Collection method: clinical testing. Allele origin: germline.
Comment: This sequence change replaces glutamic acid, which is acidic and polar, with glycine, which is neutral and non-polar, at codon 36 of the SLX4 protein (p.Glu36Gly). This variant is present in population databases (no rsID available, gnomAD 0.0009%). This variant has not been reported in the literature in individuals affected with SLX4-related conditions. An algorithm developed to predict the effect of missense changes on protein structure and function outputs the following: PolyPhen-2: "Benign". The glycine amino acid residue is found in multiple mammalian species, which suggests that this missense change does not adversely affect protein function. In summary, the available evidence is currently insufficient to determine the role of this variant in disease. Therefore, it has been classified as a Variant of Uncertain Significance.

NM_032444.4(SLX4):c.107A>G (p.Glu36Gly)

Gene: SLX4 (SLX4 structure-specific endonuclease subunit; minus strand). Cytogenetic location: 16p13.3.
Variant type: single nucleotide variant.
Coding change: c.107A>G on transcript NM_032444.4 (MANE Select); coding-DNA position 107, A replaced by G.
Protein change: p.Glu36Gly; replaces glutamic acid 36 with glycine.
Molecular consequence: missense variant.
Genome position (GRCh38, 1-based): chr16:3,608,858, T>C on the plus strand (A>G on the coding strand, the complement: SLX4 is on the minus strand). VCF-style: chr16-3608858-T-C. GRCh37 (hg19) VCF-style: chr16-3658859-T-C.
Other names: short protein forms E36G.
Identifiers: ClinVar variation 4727354 (VCV004727354.1).